The following is an entry in ClinVar:

NM_152424.4(AMER1):c.3248G>T (p.Gly1083Val)

Gene: AMER1 (APC membrane recruitment protein 1; minus strand). Cytogenetic location: Xq11.2.
Variant type: single nucleotide variant.
Coding change: c.3248G>T on transcript NM_152424.4 (MANE Select); coding-DNA position 3248, G replaced by T.
Protein change: p.Gly1083Val; replaces glycine 1083 with valine.
Molecular consequence: missense variant.
Genome position (GRCh38, 1-based): chrX:64,190,039, C>A on the plus strand (G>T on the coding strand, the complement: AMER1 is on the minus strand). VCF-style: chrX-64190039-C-A. GRCh37 (hg19) VCF-style: chrX-63409919-C-A.
Other names: c.3248G>T (NM_152424.3); short protein forms G1083V.
Identifiers: ClinVar variation 1922695 (VCV001922695.6), dbSNP rs1375155725, ClinGen allele CA413301204.

ClinVar aggregate classification (germline): Uncertain significance. Review status: criteria provided, multiple submitters, no conflicts (2 of 4 stars). 2 submissions from 2 submitters: Uncertain significance (2). Last evaluated 2025-11-13.

Conditions:
Inborn genetic diseases. Identifiers: MedGen C0950123, MeSH D030342.

Allele frequency attached by ClinVar (database versions not stated): TOPMed 0.00001; gnomAD exomes 0.00002.
gnomAD v4.1: 25 of 1,203,530 alleles (0.0021%); highest among the groups gnomAD compares: Admixed American, 0.011%; no homozygotes.

Submissions (2):

Labcorp Genetics (formerly Invitae), Labcorp
Classification: Uncertain significance. Last evaluated: 2025-11-13. Review status: criteria provided, single submitter. Criteria: Invitae Variant Classification Sherloc (09022015). Collection method: clinical testing. Allele origin: germline.
Comment: This sequence change replaces glycine, which is neutral and non-polar, with valine, which is neutral and non-polar, at codon 1083 of the AMER1 protein (p.Gly1083Val). The frequency data for this variant in the population databases is considered unreliable, as metrics indicate poor data quality at this position in the gnomAD database. This variant has not been reported in the literature in individuals affected with AMER1-related conditions. ClinVar contains an entry for this variant (Variation ID: 1922695). An algorithm developed to predict the effect of missense changes on protein structure and function (PolyPhen-2) suggests that this variant is likely to be disruptive. In summary, the available evidence is currently insufficient to determine the role of this variant in disease. Therefore, it has been classified as a Variant of Uncertain Significance.

Ambry Genetics
Classification: Uncertain significance for Inborn genetic diseases. Last evaluated: 2025-08-20. Review status: criteria provided, single submitter. Criteria: Ambry Variant Classification Scheme 2023. Collection method: clinical testing. Allele origin: germline.